The following is an entry in ClinVar:

NM_000198.4(HSD3B2):c.143-1G>C

Gene: HSD3B2 (hydroxy-delta-5-steroid dehydrogenase, 3 beta- and steroid delta-isomerase 2; plus strand). Cytogenetic location: 1p12.
Variant type: single nucleotide variant.
Coding change: c.143-1G>C on transcript NM_000198.4 (MANE Select); the canonical splice acceptor site of the intron before coding-DNA position 143, G replaced by C.
Molecular consequence: splice acceptor variant.
Genome position (GRCh38, 1-based): chr1:119,419,417, G>C. VCF-style: chr1-119419417-G-C. GRCh37 (hg19) VCF-style: chr1-119962040-G-C.
Other names: c.143-1G>C (NM_001166120.2).
Identifiers: ClinVar variation 1347611 (VCV001347611.8), dbSNP rs1399398274, ClinGen allele CA341394610.

ClinVar aggregate classification (germline): Likely pathogenic (1 of 4 stars; one submission).

Allele frequency attached by ClinVar (database versions not stated): gnomAD exomes below 0.00001.
gnomAD v4.1: 1 of 1,613,658 alleles (0.000062%); highest among the groups gnomAD compares: African/African-American, 0.0013%; no homozygotes.

Submission:

Labcorp Genetics (formerly Invitae), Labcorp
Classification: Likely pathogenic. Last evaluated: 2021-05-12. Review status: criteria provided, single submitter. Criteria: Invitae Variant Classification Sherloc (09022015). Collection method: clinical testing. Allele origin: germline.
Comment: This sequence change affects an acceptor splice site in intron 2 of the HSD3B2 gene. It is expected to disrupt RNA splicing. Variants that disrupt the donor or acceptor splice site typically lead to a loss of protein function (PMID: 16199547), and loss-of-function variants in HSD3B2 are known to be pathogenic (PMID: 11196452). This variant is not present in population databases (ExAC no frequency). Algorithms developed to predict the effect of sequence changes on RNA splicing suggest that this variant may disrupt the consensus splice site, but this prediction has not been confirmed by published transcriptional studies. In summary, the currently available evidence indicates that the variant is pathogenic, but additional data are needed to prove that conclusively. Therefore, this variant has been classified as Likely Pathogenic. This variant has not been reported in the literature in individuals with HSD3B2-related conditions.

Literature cited by the submitters: PubMed 16199547; PubMed 11196452.